The following is an entry in ClinVar:

NM_000057.4(BLM):c.1177C>T (p.Leu393Phe)

Gene: BLM (BLM RecQ like helicase; plus strand). Cytogenetic location: 15q26.1.
Variant type: single nucleotide variant.
Coding change: c.1177C>T on transcript NM_000057.4 (MANE Select); coding-DNA position 1177, C replaced by T.
Protein change: p.Leu393Phe; replaces leucine 393 with phenylalanine.
Molecular consequence: missense variant.
Genome position (GRCh38, 1-based): chr15:90,760,236, C>T. VCF-style: chr15-90760236-C-T. GRCh37 (hg19) VCF-style: chr15-91303466-C-T.
Other names: c.1177C>T, p.Leu393Phe (NM_001287246.2, NM_001287247.2); c.52C>T, p.Leu18Phe (NM_001287248.2); short protein forms L18F, L393F.
Identifiers: ClinVar variation 966520 (VCV000966520.9), dbSNP rs1895935448, ClinGen allele CA393842482.

ClinVar aggregate classification (germline): Uncertain significance. Review status: criteria provided, multiple submitters, no conflicts (2 of 4 stars). 2 submissions from 2 submitters: Uncertain significance (2). Last evaluated 2022-02-04.

Conditions:
Hereditary cancer-predisposing syndrome. Also called: Hereditary neoplastic syndrome; Neoplastic Syndromes, Hereditary; Hereditary Cancer Syndrome; Tumor predisposition. Identifiers: Orphanet 140162, MedGen C0027672, MeSH D009386, MONDO:0015356.
Bloom syndrome (BLM). Also called: Bloom-Torre-Machacek syndrome. Identifiers: Orphanet 125, MedGen C0005859, MONDO:0008876, OMIM 210900.

Submissions (2):

Ambry Genetics
Classification: Uncertain significance for Hereditary cancer-predisposing syndrome. Last evaluated: 2022-02-04. Review status: criteria provided, single submitter. Criteria: Ambry Variant Classification Scheme 2023. Collection method: clinical testing. Allele origin: germline.
Comment: The p.L393F variant (also known as c.1177C>T), located in coding exon 5 of the BLM gene, results from a C to T substitution at nucleotide position 1177. The leucine at codon 393 is replaced by phenylalanine, an amino acid with highly similar properties. This amino acid position is conserved. In addition, this alteration is predicted to be tolerated by in silico analysis. Since supporting evidence is limited at this time, the clinical significance of this alteration remains unclear.

Labcorp Genetics (formerly Invitae), Labcorp
Classification: Uncertain significance for Bloom syndrome. Last evaluated: 2021-08-31. Review status: criteria provided, single submitter. Criteria: Invitae Variant Classification Sherloc (09022015). Collection method: clinical testing. Allele origin: germline.
Comment: This sequence change replaces leucine with phenylalanine at codon 393 of the BLM protein (p.Leu393Phe). The leucine residue is weakly conserved and there is a small physicochemical difference between leucine and phenylalanine. This variant is not present in population databases (ExAC no frequency). This variant has not been reported in the literature in individuals affected with BLM-related conditions. Algorithms developed to predict the effect of missense changes on protein structure and function (SIFT, PolyPhen-2, Align-GVGD) all suggest that this variant is likely to be tolerated. In summary, the available evidence is currently insufficient to determine the role of this variant in disease. Therefore, it has been classified as a Variant of Uncertain Significance.